The following is an entry in ClinVar:

ClinVar aggregate classification (germline): Conflicting classifications of pathogenicity. Review status: criteria provided, conflicting classifications (1 of 4 stars). 2 submissions from 2 submitters: Uncertain significance (1); Likely benign (1). Last evaluated 2023-08-14.

Conditions:
Spinocerebellar ataxia type 35. Identifiers: Orphanet 276193, MedGen C3888031, MONDO:0013485, OMIM 613908.

Allele frequency attached by ClinVar (database versions not stated): TOPMed 0.00003; ESP Exome Variant Server 0.00015.

Submissions (2):

Labcorp Genetics (formerly Invitae), Labcorp
Classification: Likely benign. Last evaluated: 2023-08-14. Review status: criteria provided, single submitter. Criteria: Invitae Variant Classification Sherloc (09022015). Collection method: clinical testing. Allele origin: germline.

Juno Genomics, Hangzhou Juno Genomics, Inc
Classification: Uncertain significance for Spinocerebellar ataxia type 35. Review status: criteria provided, single submitter. Criteria: ACMG Guidelines, 2015. Collection method: clinical testing. Allele origin: germline. Affected: yes.
Comment: Absent from controls (or at extremely low frequency if recessive) in Genome Aggregation Database, Exome Sequencing Project, 1000 Genomes Project, or Exome Aggregation Consortium.;Multiple lines of computational evidence support a deleterious effect on the gene or gene product (conservation, evolutionary, splicing impact, etc).;Patient's phenotype or family history is highly specific for a disease with a single genetic etiology.

NM_198994.3(TGM6):c.907G>A (p.Asp303Asn)

Gene: TGM6 (transglutaminase 6; plus strand). Cytogenetic location: 20p13.
Variant type: single nucleotide variant.
Coding change: c.907G>A on transcript NM_198994.3 (MANE Select); coding-DNA position 907, G replaced by A.
Protein change: p.Asp303Asn; replaces aspartic acid 303 with asparagine.
Molecular consequence: missense variant.
Genome position (GRCh38, 1-based): chr20:2,400,362, G>A. VCF-style: chr20-2400362-G-A. GRCh37 (hg19) VCF-style: chr20-2381008-G-A.
Other names: c.907G>A, p.Asp303Asn (NM_001254734.2); short protein forms D303N.
Identifiers: ClinVar variation 2888363 (VCV002888363.5), dbSNP rs199500014, ClinGen allele CA9731883.
Genomic context (GRCh38, chr20:2,400,362, plus strand): 5'-GCAGTCCTCAGGTGCTTGGGGATAGCCACACGGGTCGTGTCCAACTTCAACTCAGCCCAC[G>A]ACACAGACCAGAACCTGAGTGTGGACAAATACGTGGACTCCTTCGGGCGGACCCTGGAGG-3'
Protein context (NP_945345.2, residues 293-313): RVVSNFNSAH[Asp303Asn]TDQNLSVDKY